The following is an entry in ClinVar:

ClinVar aggregate classification (germline): Benign. Review status: criteria provided, multiple submitters, no conflicts (2 of 4 stars). 3 submissions from 3 submitters: Benign (3). Last evaluated 2018-11-12.

Allele frequency attached by ClinVar (database versions not stated): ESP Exome Variant Server 0.52881; TOPMed 0.55097; 1000 Genomes Project 30x 0.56558; 1000 Genomes Project 0.56949.
gnomAD v4.1: 835,689 of 1,608,528 alleles (52%); highest among the groups gnomAD compares: East Asian, 70%; 218,872 homozygotes.

Submissions (3):

GeneDx
Classification: Benign. Last evaluated: 2018-11-12. Review status: criteria provided, single submitter. Criteria: GeneDx Variant Classification Process June 2021. Collection method: clinical testing. Allele origin: germline. Affected: yes.

Laboratory for Molecular Medicine, Mass General Brigham Personalized Medicine
Classification: Benign. Last evaluated: 2013-02-21. Review status: criteria provided, single submitter. Criteria: LMM Criteria. Collection method: clinical testing. Allele origin: germline. Observed: 105 variant alleles.
Comment: Leu532Leu in exon 14 of MUC5B: This variant is not expected to have clinical sig nificance because it does not alter an amino acid residue and is not located wit hin the splice consensus sequence. It has been identified in 49.8% (4172/8376) o f European American chromosomes from a broad population by the NHLBI Exome Seque ncing Project (dbSNP rs2735709).

Breakthrough Genomics
Classification: Benign. Review status: criteria provided, single submitter. Criteria: ACMG Guidelines, 2015. Collection method: not provided. Allele origin: germline. Inheritance: Autosomal dominant inheritance. Affected: yes.

NM_002458.3(MUC5B):c.1596G>C (p.Leu532=)

Gene: MUC5B (mucin 5B, oligomeric mucus/gel-forming; plus strand). Cytogenetic location: 11p15.5.
Variant type: single nucleotide variant.
Coding change: c.1596G>C on transcript NM_002458.3 (MANE Select); coding-DNA position 1596, G replaced by C.
Protein change: p.Leu532=; no amino-acid change (leucine 532 retained).
Molecular consequence: synonymous variant.
Genome position (GRCh38, 1-based): chr11:1,231,478, G>C. VCF-style: chr11-1231478-G-C. GRCh37 (hg19) VCF-style: chr11-1252708-G-C.
Identifiers: ClinVar variation 163995 (VCV000163995.6), dbSNP rs2735709, ClinGen allele CA176754.